The following is an entry in ClinVar:

ClinVar aggregate classification (germline): Uncertain significance. Review status: criteria provided, multiple submitters, no conflicts (2 of 4 stars). 2 submissions from 2 submitters: Uncertain significance (2). Last evaluated 2026-01-03.

gnomAD v4.1: 63 of 1,612,824 alleles (0.0039%); highest among the groups gnomAD compares: Non-Finnish European, 0.0052%; no homozygotes.

Submissions (2):

Labcorp Genetics (formerly Invitae), Labcorp
Classification: Uncertain significance. Last evaluated: 2026-01-03. Review status: criteria provided, single submitter. Criteria: Invitae Variant Classification Sherloc (09022015). Collection method: clinical testing. Allele origin: germline.
Comment: This sequence change replaces leucine, which is neutral and non-polar, with arginine, which is basic and polar, at codon 166 of the LRRCC1 protein (p.Leu166Arg). This variant is present in population databases (rs371883461, gnomAD 0.005%). This variant has not been reported in the literature in individuals affected with LRRCC1-related conditions. An algorithm developed to predict the effect of missense changes on protein structure and function (PolyPhen-2) suggests that this variant is likely to be disruptive. In summary, the available evidence is currently insufficient to determine the role of this variant in disease. Therefore, it has been classified as a Variant of Uncertain Significance.

Ambry Genetics
Classification: Uncertain significance. Last evaluated: 2025-11-13. Review status: criteria provided, single submitter. Criteria: Ambry Variant Classification Scheme 2023. Collection method: clinical testing. Allele origin: germline.

NM_033402.5(LRRCC1):c.497T>G (p.Leu166Arg)

Gene: LRRCC1 (leucine rich repeat and coiled-coil centrosomal protein 1; plus strand). Cytogenetic location: 8q21.2.
Variant type: single nucleotide variant.
Coding change: c.497T>G on transcript NM_033402.5 (MANE Select); coding-DNA position 497, T replaced by G.
Protein change: p.Leu166Arg; replaces leucine 166 with arginine.
Molecular consequence: missense variant. On other transcripts: 5 prime UTR variant (2).
Genome position (GRCh38, 1-based): chr8:85,113,052, T>G. VCF-style: chr8-85113052-T-G. GRCh37 (hg19) VCF-style: chr8-86025287-T-G.
Other names: c.218T>G, p.Leu73Arg (NM_001349636.2); c.29T>G, p.Leu10Arg (NM_001349637.2); c.-15T>G (NM_001349638.2); c.-61T>G (NM_001349639.2); short protein forms L10R, L166R, L73R.
Identifiers: ClinVar variation 4548106 (VCV004548106.2).